The following is an entry in ClinVar:

NM_000717.5(CA4):c.112+1G>A

Gene: CA4 (carbonic anhydrase 4; plus strand). Cytogenetic location: 17q23.1.
Variant type: single nucleotide variant.
Coding change: c.112+1G>A on transcript NM_000717.5 (MANE Select); the canonical splice donor site of the intron after coding-DNA position 112, G replaced by A.
Molecular consequence: splice donor variant.
Genome position (GRCh38, 1-based): chr17:60,155,368, G>A. VCF-style: chr17-60155368-G-A. GRCh37 (hg19) VCF-style: chr17-58232729-G-A.
Identifiers: ClinVar variation 1479585 (VCV001479585.6), dbSNP rs2145264107, ClinGen allele CA400450649.

ClinVar aggregate classification (germline): Likely pathogenic (1 of 4 stars; one submission).

Allele frequency attached by ClinVar (database versions not stated): gnomAD exomes below 0.00001.

Submission:

Labcorp Genetics (formerly Invitae), Labcorp
Classification: Likely pathogenic. Last evaluated: 2021-11-04. Review status: criteria provided, single submitter. Criteria: Invitae Variant Classification Sherloc (09022015). Collection method: clinical testing. Allele origin: germline.
Comment: This sequence change affects a donor splice site in intron 2 of the CA4 gene. It is expected to disrupt RNA splicing. Variants that disrupt the donor or acceptor splice site typically lead to a loss of protein function (PMID: 16199547), and loss-of-function variants in CA4 are known to be pathogenic (PMID: 33090715). This variant is not present in population databases (gnomAD no frequency). This variant has not been reported in the literature in individuals affected with CA4-related conditions. Experimental studies and prediction algorithms are not available or were not evaluated, and the effect of this variant on mRNA splicing is currently unknown. In summary, the currently available evidence indicates that the variant is pathogenic, but additional data are needed to prove that conclusively. Therefore, this variant has been classified as Likely Pathogenic.

Literature cited by the submitters: PubMed 16199547; PubMed 33090715.